The following is an entry in ClinVar:

NM_000059.4(BRCA2):c.4123G>A (p.Glu1375Lys)

Gene: BRCA2 (BRCA2 DNA repair associated; plus strand). Cytogenetic location: 13q13.1.
Variant type: single nucleotide variant.
Coding change: c.4123G>A on transcript NM_000059.4 (MANE Select); coding-DNA position 4123, G replaced by A.
Protein change: p.Glu1375Lys; replaces glutamic acid 1375 with lysine.
Molecular consequence: missense variant.
Genome position (GRCh38, 1-based): chr13:32,338,478, G>A. VCF-style: chr13-32338478-G-A. GRCh37 (hg19) VCF-style: chr13-32912615-G-A.
Other names: c.4123G>A, p.Glu1375Lys (NM_001406719.1, NM_001406720.1); short protein forms E1375K.
Identifiers: ClinVar variation 1738036 (VCV001738036.8), dbSNP rs2137503120, ClinGen allele CA387779341.

ClinVar aggregate classification (germline): Conflicting classifications of pathogenicity. Review status: criteria provided, conflicting classifications (1 of 4 stars). 4 submissions from 4 submitters: Uncertain significance (3); Likely benign (1). Last evaluated 2024-04-29.

Conditions:
Hereditary cancer-predisposing syndrome. Also called: Neoplastic Syndromes, Hereditary; Tumor predisposition; Hereditary Cancer Syndrome; Hereditary neoplastic syndrome. Identifiers: Orphanet 140162, MedGen C0027672, MeSH D009386, MONDO:0015356.
Hereditary breast ovarian cancer syndrome. Also called: Hereditary breast and ovarian cancer syndrome; Breast and ovarian cancer; Hereditary breast and/or ovarian cancer syndrome; Hereditary breast and ovarian cancer; BRCA1- and BRCA2-Associated Hereditary Breast and Ovarian Cancer; Hereditary breast and ovarian cancer syndrome (HBOC). Identifiers: Orphanet 145, MedGen C0677776, MeSH D061325, MONDO:0003582. Disease mechanism: loss of function.

Submissions (4):

Color Diagnostics, LLC DBA Color Health
Classification: Uncertain significance for Hereditary cancer-predisposing syndrome. Last evaluated: 2024-04-29. Review status: criteria provided, single submitter. Criteria: ACMG Guidelines, 2015. Collection method: clinical testing. Allele origin: germline.
Comment: This missense variant replaces glutamic acid with lysine at codon 1375 of the BRCA2 protein. Computational prediction suggests that this variant may not impact protein structure and function. To our knowledge, functional studies have not been reported for this variant. This variant has not been reported in individuals affected with BRCA2-related disorders in the literature. This variant has not been identified in the general population by the Genome Aggregation Database (gnomAD). The available evidence is insufficient to determine the role of this variant in disease conclusively. Therefore, this variant is classified as a Variant of Uncertain Significance.

University of Washington Department of Laboratory Medicine, University of Washington
Classification: Likely benign for Hereditary cancer-predisposing syndrome. Last evaluated: 2023-03-23. Review status: criteria provided, single submitter. Criteria: Dines et al. (Genet Med. 2020). Collection method: curation. Allele origin: germline.
Comment: Missense variant in a coldspot region where missense variants are very unlikely to be pathogenic (PMID:31911673).

BRCA2 exon 11 coldspot. Reclassification based on statistical prior probability.

Labcorp Genetics (formerly Invitae), Labcorp
Classification: Uncertain significance for Hereditary breast ovarian cancer syndrome. Last evaluated: 2023-02-10. Review status: criteria provided, single submitter. Criteria: Invitae Variant Classification Sherloc (09022015). Collection method: clinical testing. Allele origin: germline.
Comment: This variant is not present in population databases (gnomAD no frequency). This sequence change replaces glutamic acid, which is acidic and polar, with lysine, which is basic and polar, at codon 1375 of the BRCA2 protein (p.Glu1375Lys). In summary, the available evidence is currently insufficient to determine the role of this variant in disease. Therefore, it has been classified as a Variant of Uncertain Significance. Advanced modeling of protein sequence and biophysical properties (such as structural, functional, and spatial information, amino acid conservation, physicochemical variation, residue mobility, and thermodynamic stability) performed at Invitae indicates that this missense variant is not expected to disrupt BRCA2 protein function. ClinVar contains an entry for this variant (Variation ID: 1738036). This variant has not been reported in the literature in individuals affected with BRCA2-related conditions.

Ambry Genetics
Classification: Uncertain significance for Hereditary cancer-predisposing syndrome. Last evaluated: 2022-06-26. Review status: criteria provided, single submitter. Criteria: Ambry Variant Classification Scheme 2023. Collection method: clinical testing. Allele origin: germline.
Comment: The p.E1375K variant (also known as c.4123G>A), located in coding exon 10 of the BRCA2 gene, results from a G to A substitution at nucleotide position 4123. The glutamic acid at codon 1375 is replaced by lysine, an amino acid with similar properties. This amino acid position is conserved. In addition, this alteration is predicted to be tolerated by in silico analysis. Since supporting evidence is limited at this time, the clinical significance of this alteration remains unclear.